The following is an entry in ClinVar:

NM_022773.4(LMF1):c.837C>A (p.Phe279Leu)

Gene: LMF1 (lipase maturation factor 1; minus strand). Cytogenetic location: 16p13.3.
Variant type: single nucleotide variant.
Coding change: c.837C>A on transcript NM_022773.4 (MANE Select); coding-DNA position 837, C replaced by A.
Protein change: p.Phe279Leu; replaces phenylalanine 279 with leucine.
Molecular consequence: missense variant. On other transcripts: non-coding transcript variant (1).
Genome position (GRCh38, 1-based): chr16:879,630, G>T on the plus strand (C>A on the coding strand, the complement: LMF1 is on the minus strand). VCF-style: chr16-879630-G-T. GRCh37 (hg19) VCF-style: chr16-929630-G-T.
Other names: p.Phe279Leu; c.186C>A, p.Phe62Leu (NM_001352017.2, NM_001352021.2); c.438C>A, p.Phe146Leu (NM_001352018.2); c.510C>A, p.Phe170Leu (NM_001352019.2); c.837C>A, p.Phe279Leu (NM_001352020.1); short protein forms F279L, F146L, F62L, F170L.
Identifiers: ClinVar variation 776957 (VCV000776957.21), dbSNP rs61745065, ClinGen allele CA7797350.

ClinVar aggregate classification (germline): Benign/Likely benign. Review status: criteria provided, multiple submitters, no conflicts (2 of 4 stars). 9 submissions from 9 submitters: Benign (6); Likely benign (2). 1 of the submissions does not count toward it. Last evaluated 2026-01-27.

Conditions:
Cardiovascular phenotype. Identifiers: MedGen CN230736.
LMF1-related disorder. Also called: LMF1-related condition.

Allele frequency attached by ClinVar (database versions not stated): gnomAD exomes 0.00645; ExAC 0.00857; ESP Exome Variant Server 0.02605; gnomAD 0.02625 and 0.02793; 1000 Genomes Project 0.02716; 1000 Genomes Project 30x 0.02842; TOPMed 0.02892.
gnomAD v4.1: 7,576 of 1,613,516 alleles (0.47%); highest among the groups gnomAD compares: African/African-American, 9%; 314 homozygotes.

Submissions (9):

Labcorp Genetics (formerly Invitae), Labcorp
Classification: Benign. Last evaluated: 2026-01-27. Review status: criteria provided, single submitter. Criteria: Invitae Variant Classification Sherloc (09022015). Collection method: clinical testing. Allele origin: germline.

Genomic Medicine Center of Excellence, King Faisal Specialist Hospital and Research Centre
Classification: Likely benign. Last evaluated: 2025-08-18. Review status: criteria provided, single submitter. Criteria: ACMG Guidelines, 2015. Collection method: clinical testing. Allele origin: germline.

Molecular Diagnostic Laboratory for Inherited Cardiovascular Disease, Montreal Heart Institute
Classification: Benign. Last evaluated: 2025-04-09. Review status: criteria provided, single submitter. Criteria: ACMG Guidelines, 2015. Collection method: clinical testing. Allele origin: germline. Affected: no.

Blueprint Genetics
Classification: Likely benign. Last evaluated: 2024-11-25. Review status: criteria provided, single submitter. Criteria: ACMG Guidelines, 2015. Collection method: clinical testing. Allele origin: germline.

Mayo Clinic Laboratories, Mayo Clinic
Classification: Benign. Last evaluated: 2023-12-20. Review status: criteria provided, single submitter. Criteria: ACMG Guidelines, 2015. Collection method: clinical testing. Allele origin: germline. Observed: 2 variant alleles.
Comment: BA1, BP4

Ambry Genetics
Classification: Benign for Cardiovascular phenotype. Last evaluated: 2019-07-16. Review status: criteria provided, single submitter. Criteria: Ambry Variant Classification Scheme 2023. Collection method: clinical testing. Allele origin: germline.

GeneDx
Classification: Benign. Last evaluated: 2018-10-05. Review status: criteria provided, single submitter. Criteria: GeneDx Variant Classification Process June 2021. Collection method: clinical testing. Allele origin: germline. Affected: yes.
Comment: This variant is associated with the following publications: (PMID: 31619059)

Breakthrough Genomics
Classification: Benign. Review status: criteria provided, single submitter. Criteria: ACMG Guidelines, 2015. Collection method: not provided. Allele origin: germline. Inheritance: Autosomal recessive inheritance. Affected: yes.

PreventionGenetics, part of Exact Sciences
Classification: Benign for LMF1-related condition. Last evaluated: 2019-03-29. Review status: no assertion criteria provided. Collection method: clinical testing. Allele origin: germline. Not counted in ClinVar's aggregate classification.
Comment: This variant is classified as benign based on ACMG/AMP sequence variant interpretation guidelines (Richards et al. 2015 PMID: 25741868, with internal and published modifications).